The following is an entry in ClinVar:

ClinVar aggregate classification (germline): Uncertain significance. Review status: criteria provided, multiple submitters, no conflicts (2 of 4 stars). 2 submissions from 2 submitters: Uncertain significance (2). Last evaluated 2025-03-21.

Conditions:
CREBBP-related disorder. Also called: CREBBP-related condition; CREBBP-related disorders.
Rubinstein-Taybi syndrome (RSTS). Identifiers: Orphanet 783, MedGen C0035934, MONDO:0019188.

Allele frequency attached by ClinVar (database versions not stated): gnomAD exomes below 0.00001.
gnomAD v4.1: 3 of 1,614,234 alleles (0.00019%); highest among the groups gnomAD compares: Non-Finnish European, 0.00025%; no homozygotes.

Submissions (2):

PreventionGenetics, part of Exact Sciences
Classification: Uncertain significance for CREBBP-related condition. Last evaluated: 2025-03-21. Review status: criteria provided, single submitter. Criteria: ACMG Guidelines, 2015. Collection method: clinical testing. Allele origin: germline.
Comment: The CREBBP c.613C>A variant is predicted to result in the amino acid substitution p.Gln205Lys. To our knowledge, this variant has not been reported in the literature or in a large population database (gnomAD), indicating this variant is rare. At this time, the clinical significance of this variant is uncertain due to the absence of conclusive functional and genetic evidence.

Labcorp Genetics (formerly Invitae), Labcorp
Classification: Uncertain significance for Rubinstein-Taybi syndrome. Last evaluated: 2024-09-24. Review status: criteria provided, single submitter. Criteria: Invitae Variant Classification Sherloc (09022015). Collection method: clinical testing. Allele origin: germline.
Comment: This sequence change replaces glutamine, which is neutral and polar, with lysine, which is basic and polar, at codon 205 of the CREBBP protein (p.Gln205Lys). This variant is not present in population databases (gnomAD no frequency). This variant has not been reported in the literature in individuals affected with CREBBP-related conditions. Invitae Evidence Modeling of protein sequence and biophysical properties (such as structural, functional, and spatial information, amino acid conservation, physicochemical variation, residue mobility, and thermodynamic stability) has been performed for this missense variant. However, the output from this modeling did not meet the statistical confidence thresholds required to predict the impact of this variant on CREBBP protein function. In summary, the available evidence is currently insufficient to determine the role of this variant in disease. Therefore, it has been classified as a Variant of Uncertain Significance.

NM_004380.3(CREBBP):c.613C>A (p.Gln205Lys)

Gene: CREBBP (CREB binding lysine acetyltransferase; minus strand). Cytogenetic location: 16p13.3.
Variant type: single nucleotide variant.
Coding change: c.613C>A on transcript NM_004380.3 (MANE Select); coding-DNA position 613, C replaced by A.
Protein change: p.Gln205Lys; replaces glutamine 205 with lysine.
Molecular consequence: missense variant.
Genome position (GRCh38, 1-based): chr16:3,850,482, G>T on the plus strand (C>A on the coding strand, the complement: CREBBP is on the minus strand). VCF-style: chr16-3850482-G-T. GRCh37 (hg19) VCF-style: chr16-3900483-G-T.
Other names: c.613C>A, p.Gln205Lys (NM_001079846.1); c.613C>A (NM_004380.2); short protein forms Q205K.
Identifiers: ClinVar variation 2796044 (VCV002796044.4), dbSNP rs1597053504, ClinGen allele CA394559974.